The following is an entry in ClinVar:

NM_206933.4(USH2A):c.5142T>C (p.Asn1714=)

Genes: USH2A (usherin; minus strand), USH2A-AS2 (USH2A antisense RNA 2; plus strand). Cytogenetic location: 1q41.
Variant type: single nucleotide variant.
Coding change: c.5142T>C on transcript NM_206933.4 (MANE Select); coding-DNA position 5142, T replaced by C.
Protein change: p.Asn1714=; no amino-acid change (asparagine 1714 retained).
Molecular consequence: synonymous variant.
Genome position (GRCh38, 1-based): chr1:216,084,723, A>G on the plus strand (T>C on the coding strand, the complement: USH2A is on the minus strand). VCF-style: chr1-216084723-A-G. GRCh37 (hg19) VCF-style: chr1-216258065-A-G.
Identifiers: ClinVar variation 48529 (VCV000048529.22), dbSNP rs143546878, ClinGen allele CA143511.

ClinVar aggregate classification (germline): Benign/Likely benign. Review status: criteria provided, multiple submitters, no conflicts (2 of 4 stars). 10 submissions from 9 submitters: Benign (8); Likely benign (1). 1 of the submissions does not count toward it. Last evaluated 2026-01-28.

Conditions:
Retinal dystrophy. Also called: Inherited retinal dystrophy. Identifiers: Orphanet 71862, MedGen C0854723, MeSH D058499, MONDO:0019118, HP:0000556.
Retinitis pigmentosa 39 (RP39). Identifiers: Orphanet 791, MedGen C3151138, MONDO:0013436, OMIM 613809.
Usher syndrome type 2A. Also called: USHER SYNDROME, TYPE IIA; RETINAL DISEASE IN USHER SYNDROME TYPE IIA, MODIFIER OF. Identifiers: Orphanet 231178, Orphanet 886, MedGen C1848634, MONDO:0010169, OMIM 276901.

Allele frequency attached by ClinVar (database versions not stated): gnomAD 0.00064 and 0.00086; TOPMed 0.00074; gnomAD exomes 0.00164; 1000 Genomes Project 30x 0.00515; 1000 Genomes Project 0.00519.
gnomAD v4.1: 1,024 of 1,613,344 alleles (0.063%); highest among the groups gnomAD compares: East Asian, 1.7%; 9 homozygotes.

Submissions (10):

Labcorp Genetics (formerly Invitae), Labcorp
Classification: Benign. Last evaluated: 2026-01-28. Review status: criteria provided, single submitter. Criteria: Invitae Variant Classification Sherloc (09022015). Collection method: clinical testing. Allele origin: germline.

Blueprint Genetics
Classification: Likely benign. Last evaluated: 2024-11-25. Review status: criteria provided, single submitter. Criteria: ACMG Guidelines, 2015. Collection method: clinical testing. Allele origin: germline.

Genome-Nilou Lab
Classification: Benign for Retinitis pigmentosa 39. Last evaluated: 2023-11-04. Review status: criteria provided, single submitter. Criteria: ACMG Guidelines, 2015. Collection method: clinical testing. Allele origin: germline. Affected: no.

Genome-Nilou Lab
Classification: Benign for Usher syndrome type 2A. Last evaluated: 2023-11-04. Review status: criteria provided, single submitter. Criteria: ACMG Guidelines, 2015. Collection method: clinical testing. Allele origin: germline. Affected: no.

Dept Of Ophthalmology, Nagoya University
Classification: Benign for Retinal dystrophy. Last evaluated: 2023-10-01. Review status: criteria provided, single submitter. Criteria: Submitter's publication. Collection method: research. Allele origin: germline. Affected: yes.

Athena Diagnostics
Classification: Benign. Last evaluated: 2021-02-25. Review status: criteria provided, single submitter. Criteria: Athena Diagnostics criteria. Collection method: clinical testing. Allele origin: unknown.

GeneDx
Classification: Benign. Last evaluated: 2018-08-13. Review status: criteria provided, single submitter. Criteria: GeneDx Variant Classification Process June 2021. Collection method: clinical testing. Allele origin: germline. Affected: yes.
Comment: This variant is associated with the following publications: (PMID: 19737284, 22135276)

Laboratory for Molecular Medicine, Mass General Brigham Personalized Medicine
Classification: Benign. Last evaluated: 2015-02-26. Review status: criteria provided, single submitter. Criteria: LMM Criteria. Collection method: clinical testing. Allele origin: germline. Observed: 7 variant alleles.
Comment: p.Asn1714Asn in exon 25 of USH2A: This variant is not expected to have clinical significance because it does not alter an amino acid residue, is not located wit hin the splice consensus sequence and has been reported in 1.9% (162/8634) of Ea st Asian chromosomes by the Exome Aggregation Consortium (ExAC; dbSNP rs143546878).

Breakthrough Genomics
Classification: Benign. Review status: criteria provided, single submitter. Criteria: ACMG Guidelines, 2015. Collection method: not provided. Allele origin: germline. Inheritance: Autosomal recessive inheritance. Affected: yes.

Natera, Inc.
Classification: Benign for Usher syndrome type 2A. Last evaluated: 2019-12-07. Review status: no assertion criteria provided. Collection method: clinical testing. Allele origin: germline. Not counted in ClinVar's aggregate classification.

Literature cited by the submitters: PubMed 22135276 (cited by Athena Diagnostics and Laboratory for Molecular Medicine, Mass General Brigham Personalized Medicine); PubMed 19737284 (cited by Athena Diagnostics and Laboratory for Molecular Medicine, Mass General Brigham Personalized Medicine).